The following is an entry in ClinVar:

NM_000154.2(GALK1):c.841G>A (p.Val281Met)

Gene: GALK1 (galactokinase 1; minus strand). Cytogenetic location: 17q25.1.
Variant type: single nucleotide variant.
Coding change: c.841G>A on transcript NM_000154.2 (MANE Select); coding-DNA position 841, G replaced by A.
Protein change: p.Val281Met; replaces valine 281 with methionine.
Molecular consequence: missense variant.
Genome position (GRCh38, 1-based): chr17:75,758,552, C>T on the plus strand (G>A on the coding strand, the complement: GALK1 is on the minus strand). VCF-style: chr17-75758552-C-T. GRCh37 (hg19) VCF-style: chr17-73754633-C-T.
Other names: short protein forms V281M.
Identifiers: ClinVar variation 557453 (VCV000557453.8), dbSNP rs753571180, ClinGen allele CA8770810.

ClinVar aggregate classification (germline): Likely pathogenic. Review status: criteria provided, multiple submitters, no conflicts (2 of 4 stars). 3 submissions from 3 submitters: Likely pathogenic (2). 1 of the submissions does not count toward it. Last evaluated 2025-07-21.

Conditions:
Deficiency of galactokinase. Also called: Galactokinase deficiency with cataracts; GALACTOSEMIA II. Identifiers: Orphanet 352, Orphanet 79237, MedGen C0268155, MONDO:0009255, OMIM 230200.

Allele frequency attached by ClinVar (database versions not stated): gnomAD 0.00001; gnomAD exomes 0.00001; ExAC 0.00002; TOPMed 0.00002.
gnomAD v4.1: 19 of 1,596,026 alleles (0.0012%); highest among the groups gnomAD compares: South Asian, 0.0045%; no homozygotes.

Submissions (3):

Natera, Inc.
Classification: Likely pathogenic for Deficiency of galactokinase. Last evaluated: 2025-07-21. Review status: criteria provided, single submitter. Criteria: Natera Variant Classification Schema (03/2026). Collection method: clinical testing. Allele origin: germline.
Comment: The c.841G>A variant in GALK1 is a missense variant predicted to cause substitution of valine to methionine at amino acid 281. This variant is rare in the general population with a frequency below the threshold expected for the associated phenotype(s). This variant has been observed in one or more individuals affected with the associated recessive disease, as either homozygous or compound heterozygous with a second variant (PMID: 17517531). Functional studies show that this variant may disrupt protein function (PMID: 17517531). Computational prediction algorithms indicate this variant is likely to affect gene or protein function. Given the available evidence, this variant is classified as Likely Pathogenic.

Juno Genomics, Hangzhou Juno Genomics, Inc
Classification: Likely pathogenic for Deficiency of galactokinase. Review status: criteria provided, single submitter. Criteria: ACMG Guidelines, 2015. Collection method: clinical testing. Allele origin: germline.
Comment: Absent from controls (or at extremely low frequency if recessive) in Genome Aggregation Database.;For recessive disorders, detected in trans with a pathogenic variant.;Patient's phenotype or family history is highly specific for a disease with a single genetic etiology.;Well-established in vitro or in vivo functional studies supportive of a damaging effect on the gene or gene product.

Counsyl
Classification: Uncertain significance for Deficiency of galactokinase. Last evaluated: 2018-03-30. Review status: no assertion criteria provided. Collection method: clinical testing. Allele origin: unknown. Not counted in ClinVar's aggregate classification.

Literature cited by the submitters: PubMed 17517531 (cited by Natera, Inc. and Counsyl).